The following is an entry in ClinVar:

ClinVar aggregate classification (germline): Uncertain significance (1 of 4 stars; one submission).

Conditions:
Inborn genetic diseases. Identifiers: MedGen C0950123, MeSH D030342.

gnomAD v4.1: 1 of 1,609,164 alleles (0.000062%); highest among the groups gnomAD compares: African/African-American, 0.0013%; no homozygotes.

Submission:

Ambry Genetics
Classification: Uncertain significance for Inborn genetic diseases. Last evaluated: 2025-11-08. Review status: criteria provided, single submitter. Criteria: Ambry Variant Classification Scheme 2023. Collection method: clinical testing. Allele origin: germline.
Comment: The p.P1220L variant (also known as c.3659C>T), located in coding exon 33 of the RTEL1 gene, results from a C to T substitution at nucleotide position 3659. The proline at codon 1220 is replaced by leucine, an amino acid with similar properties. This amino acid position is conserved. In addition, this alteration is predicted to be tolerated by in silico analysis. Based on the available evidence, the clinical significance of this variant remains unclear.

NM_001283009.2(RTEL1):c.3659C>T (p.Pro1220Leu)

Genes: RTEL1 (regulator of telomere elongation helicase 1; plus strand), RTEL1-TNFRSF6B (RTEL1-TNFRSF6B readthrough (NMD candidate); plus strand). Cytogenetic location: 20q13.33.
Variant type: single nucleotide variant.
Coding change: c.3659C>T on transcript NM_001283009.2 (MANE Select); coding-DNA position 3659, C replaced by T.
Protein change: p.Pro1220Leu; replaces proline 1220 with leucine.
Molecular consequence: missense variant. On other transcripts: non-coding transcript variant (1), intron variant (3).
Genome position (GRCh38, 1-based): chr20:63,695,487, C>T. VCF-style: chr20-63695487-C-T. GRCh37 (hg19) VCF-style: chr20-62326840-C-T.
Other names: c.2983+7C>T (NM_001283010.1); c.3724+7C>T (NM_032957.5); c.3652+7C>T (NM_016434.4); short protein forms P1220L.
Identifiers: ClinVar variation 4629591 (VCV004629591.1).